The following is an entry in ClinVar:

NM_017671.5(FERMT1):c.433T>G (p.Tyr145Asp)

Gene: FERMT1 (FERM domain containing kindlin 1; minus strand). Cytogenetic location: 20p12.3.
Variant type: single nucleotide variant.
Coding change: c.433T>G on transcript NM_017671.5 (MANE Select); coding-DNA position 433, T replaced by G.
Protein change: p.Tyr145Asp; replaces tyrosine 145 with aspartic acid.
Molecular consequence: missense variant.
Genome position (GRCh38, 1-based): chr20:6,112,576, A>C on the plus strand (T>G on the coding strand, the complement: FERMT1 is on the minus strand). VCF-style: chr20-6112576-A-C. GRCh37 (hg19) VCF-style: chr20-6093223-A-C.
Other names: short protein forms Y145D.
Identifiers: ClinVar variation 1370584 (VCV001370584.7), dbSNP rs1230840491, ClinGen allele CA408190517.

ClinVar aggregate classification (germline): Uncertain significance (1 of 4 stars; one submission).

gnomAD v4.1: 21 of 1,605,182 alleles (0.0013%); highest among the groups gnomAD compares: Non-Finnish European, 0.0017%; no homozygotes.

Submission:

Labcorp Genetics (formerly Invitae), Labcorp
Classification: Uncertain significance. Last evaluated: 2021-05-26. Review status: criteria provided, single submitter. Criteria: Invitae Variant Classification Sherloc (09022015). Collection method: clinical testing. Allele origin: germline.
Comment: In summary, the available evidence is currently insufficient to determine the role of this variant in disease. Therefore, it has been classified as a Variant of Uncertain Significance. This sequence change replaces tyrosine with aspartic acid at codon 145 of the FERMT1 protein (p.Tyr145Asp). The tyrosine residue is moderately conserved and there is a large physicochemical difference between tyrosine and aspartic acid. This variant is not present in population databases (ExAC no frequency). This variant has not been reported in the literature in individuals with FERMT1-related conditions. Algorithms developed to predict the effect of missense changes on protein structure and function (SIFT, PolyPhen-2, Align-GVGD) all suggest that this variant is likely to be tolerated, but these predictions have not been confirmed by published functional studies and their clinical significance is uncertain.